The following is an entry in ClinVar:

ClinVar aggregate classification (germline): Uncertain significance (1 of 4 stars; one submission).

Conditions:
Mitochondrial complex II deficiency, nuclear type 1. Also called: SUCCINATE CoQ REDUCTASE DEFICIENCY. Identifiers: Orphanet 3208, MedGen C5700310, MONDO:0100294, OMIM 252011.
Pheochromocytoma/paraganglioma syndrome 5. Also called: Paragangliomas 5; SDHA-Related Hereditary Paraganglioma-Pheochromocytoma Syndrome. Identifiers: Orphanet 29072, MedGen C3279992, MONDO:0013602, OMIM 614165.

Submission:

Labcorp Genetics (formerly Invitae), Labcorp
Classification: Uncertain significance for Pheochromocytoma/paraganglioma syndrome 5; Mitochondrial complex II deficiency, nuclear type 1. Last evaluated: 2024-03-30. Review status: criteria provided, single submitter. Criteria: Invitae Variant Classification Sherloc (09022015). Collection method: clinical testing. Allele origin: germline.
Comment: This sequence change replaces aspartic acid, which is acidic and polar, with asparagine, which is neutral and polar, at codon 561 of the SDHA protein (p.Asp561Asn). This variant is not present in population databases (gnomAD no frequency). This variant has not been reported in the literature in individuals affected with SDHA-related conditions. Advanced modeling of protein sequence and biophysical properties (such as structural, functional, and spatial information, amino acid conservation, physicochemical variation, residue mobility, and thermodynamic stability) performed at Invitae indicates that this missense variant is not expected to disrupt SDHA protein function with a negative predictive value of 95%. In summary, the available evidence is currently insufficient to determine the role of this variant in disease. Therefore, it has been classified as a Variant of Uncertain Significance.

NM_004168.4(SDHA):c.1681G>A (p.Asp561Asn)

Gene: SDHA (succinate dehydrogenase complex flavoprotein subunit A; plus strand). Cytogenetic location: 5p15.33.
Variant type: single nucleotide variant.
Coding change: c.1681G>A on transcript NM_004168.4 (MANE Select); coding-DNA position 1681, G replaced by A.
Protein change: p.Asp561Asn; replaces aspartic acid 561 with asparagine.
Molecular consequence: missense variant. On other transcripts: intron variant (1).
Genome position (GRCh38, 1-based): chr5:251,355, G>A. VCF-style: chr5-251355-G-A. GRCh37 (hg19) VCF-style: chr5-251470-G-A.
Other names: c.1537G>A, p.Asp513Asn (NM_001294332.2); c.1552-3038G>A (NM_001330758.2); short protein forms D513N, D561N.
Identifiers: ClinVar variation 3750448 (VCV003750448.2).